The following is an entry in ClinVar:

NM_001267550.2(TTN):c.54673G>T (p.Gly18225Ter)

Genes: TTN (titin; minus strand), TTN-AS1 (TTN antisense RNA 1; plus strand). Cytogenetic location: 2q31.2.
Variant type: single nucleotide variant.
Coding change: c.54673G>T on transcript NM_001267550.2 (MANE Select); coding-DNA position 54673, G replaced by T.
Protein change: p.Gly18225Ter; replaces glycine 18225 with a stop codon.
Molecular consequence: nonsense.
Genome position (GRCh38, 1-based): chr2:178,604,014, C>A on the plus strand (G>T on the coding strand, the complement: TTN is on the minus strand). VCF-style: chr2-178604014-C-A. GRCh37 (hg19) VCF-style: chr2-179468741-C-A.
Other names: c.49750G>T, p.Gly16584Ter (NM_001256850.1); c.27478G>T, p.Gly9160Ter (NM_003319.4); c.46969G>T, p.Gly15657Ter (NM_133378.4); c.27853G>T, p.Gly9285Ter (NM_133432.3); c.28054G>T, p.Gly9352Ter (NM_133437.4); short protein forms G15657*, G16584*, G18225*, G9160*, G9285*, G9352*.
Identifiers: ClinVar variation 4866194 (VCV004866194.1).
Genomic context (GRCh38, chr2:178,604,014, plus strand): 5'-TGAACTGGTATTTAACGCCTTCAAGCAAACGAGGAACATTAAATTCCACGCCTTTCAATC[C>A]CACTTTGGTTATTGGTGCTCGGCTAACACGTGACCAATAAGGACTTCCCTCTTCTCTTTT-3'

ClinVar aggregate classification (germline): Likely pathogenic (1 of 4 stars; one submission).

Conditions:
Cardiovascular phenotype. Identifiers: MedGen CN230736.

Submission:

Ambry Genetics
Classification: Likely pathogenic for Cardiovascular phenotype. Last evaluated: 2026-04-14. Review status: criteria provided, single submitter. Criteria: Ambry Variant Classification Scheme 2023. Collection method: clinical testing. Allele origin: germline.
Comment: The p.G9160* variant (also known as c.27478G>T), located in coding exon 109 of the TTN gene, results from a G to T substitution at nucleotide position 27478. This changes the amino acid from a glycine to a stop codon within coding exon 109. This exon is located in the A-band region of the N2-B isoform of the titin protein and is constitutively expressed in TTN transcripts (percent spliced in or PSI 100%). This variant is expected to result in loss of function by premature protein truncation or nonsense-mediated mRNA decay. While truncating variants in TTN are present in 1-3% of the general population, truncating variants in the A-band are the most common cause of dilated cardiomyopathy (Herman DS et al. N. Engl. J. Med., 2012 Feb;366:619-28; Roberts AM et al. Sci Transl Med, 2015 Jan;7:270ra6). TTN truncating variants encoded in constitutive exons (PSI >90%) have been found to be significantly associated with DCM regardless of their position in titin (Schafer S et al. Nat. Genet., 2017 01;49:46-53; Akhtar MM et al. Circ Heart Fail, 2020 Oct;13:e006832; Massier M et al. Clin Genet, 2025 Jan). This variant is considered to be rare based on population cohorts in the Genome Aggregation Database (gnomAD). Based on the majority of available evidence to date, this variant is likely to be pathogenic.